The following is an entry in ClinVar:

ClinVar aggregate classification (germline): Conflicting classifications of pathogenicity. Review status: criteria provided, conflicting classifications (1 of 4 stars). 5 submissions from 5 submitters: Uncertain significance (4); Likely benign (1). Last evaluated 2026-05-18.

Conditions:
Hereditary cancer-predisposing syndrome. Also called: Neoplastic Syndromes, Hereditary; Tumor predisposition; Hereditary neoplastic syndrome; Hereditary Cancer Syndrome. Identifiers: Orphanet 140162, MedGen C0027672, MeSH D009386, MONDO:0015356.
Melanoma, cutaneous malignant, susceptibility to, 1 (CMM1). Also called: MELANOMA, MALIGNANT; B-K MOLE SYNDROME; DYSPLASTIC NEVUS SYNDROME, HEREDITARY; FAMILIAL ATYPICAL MOLE-MALIGNANT MELANOMA SYNDROME. Identifiers: Orphanet 618, MedGen C1835047, MONDO:0007963, OMIM 155600.
Peutz-Jeghers syndrome (PJS). Also called: POLYPOSIS, HAMARTOMATOUS INTESTINAL; POLYPS-AND-SPOTS SYNDROME; Peutz-Jeghers polyposis; Periorificial lentiginosis syndrome. Identifiers: Orphanet 2869, MedGen C0031269, MeSH D010580, MONDO:0008280, OMIM 175200.

Allele frequency attached by ClinVar (database versions not stated): gnomAD exomes below 0.00001.
gnomAD v4.1: 3 of 1,603,986 alleles (0.00019%); highest among the groups gnomAD compares: Non-Finnish European, 0.00026%; no homozygotes.

Submissions (5):

Ambry Genetics
Classification: Likely benign for Hereditary cancer-predisposing syndrome. Last evaluated: 2026-05-18. Review status: criteria provided, single submitter. Criteria: Ambry Variant Classification Scheme 2023. Collection method: clinical testing. Allele origin: germline.

Labcorp Genetics (formerly Invitae), Labcorp
Classification: Uncertain significance for Peutz-Jeghers syndrome. Last evaluated: 2025-12-24. Review status: criteria provided, single submitter. Criteria: Invitae Variant Classification Sherloc (09022015). Collection method: clinical testing. Allele origin: germline.
Comment: This sequence change replaces serine, which is neutral and polar, with asparagine, which is neutral and polar, at codon 401 of the STK11 protein (p.Ser401Asn). This variant is not present in population databases (gnomAD no frequency). This variant has not been reported in the literature in individuals affected with STK11-related conditions. ClinVar contains an entry for this variant (Variation ID: 142186). Invitae Evidence Modeling of protein sequence and biophysical properties (such as structural, functional, and spatial information, amino acid conservation, physicochemical variation, residue mobility, and thermodynamic stability) indicates that this missense variant is not expected to disrupt STK11 protein function with a negative predictive value of 95%. In summary, the available evidence is currently insufficient to determine the role of this variant in disease. Therefore, it has been classified as a Variant of Uncertain Significance.

Center for Genomic Medicine, Rigshospitalet, Copenhagen University Hospital
Classification: Uncertain significance. Last evaluated: 2025-03-04. Review status: criteria provided, single submitter. Criteria: ACMG Guidelines, 2015. Collection method: clinical testing. Allele origin: germline.

Baylor Genetics
Classification: Uncertain significance for Melanoma, cutaneous malignant, susceptibility to, 1. Last evaluated: 2023-08-01. Review status: criteria provided, single submitter. Criteria: ACMG Guidelines, 2015. Collection method: clinical testing. Allele origin: unknown.

Genome-Nilou Lab
Classification: Uncertain significance for Peutz-Jeghers syndrome. Last evaluated: 2021-07-15. Review status: criteria provided, single submitter. Criteria: ACMG Guidelines, 2015. Collection method: clinical testing. Allele origin: germline. Affected: no.

NM_000455.5(STK11):c.1202G>A (p.Ser401Asn)

Gene: STK11 (serine/threonine kinase 11; plus strand). Cytogenetic location: 19p13.3.
Variant type: single nucleotide variant.
Coding change: c.1202G>A on transcript NM_000455.5 (MANE Select); coding-DNA position 1202, G replaced by A.
Protein change: p.Ser401Asn; replaces serine 401 with asparagine.
Molecular consequence: missense variant.
Genome position (GRCh38, 1-based): chr19:1,226,547, G>A. VCF-style: chr19-1226547-G-A. GRCh37 (hg19) VCF-style: chr19-1226546-G-A.
Other names: short protein forms S401N.
Identifiers: ClinVar variation 142186 (VCV000142186.24), dbSNP rs587782291, ClinGen allele CA022462.
Genomic context (GRCh38, chr19:1,226,547, plus strand): 5'-GACAGCGCCGGGGCCTCCCCAAGGCCGTGTGTATGAACGGCACAGAGGCGGCGCAGCTGA[G>A]CACCAAATCCAGGGCGGAGGGCCGGGCCCCCAACCCTGCCCGCAAGGCCTGCTCCGCCAG-3'
Protein context (NP_000446.1, residues 391-411): CMNGTEAAQL[Ser401Asn]TKSRAEGRAP